The following is an entry in ClinVar:

NM_147127.5(EVC2):c.3660-18C>A

Gene: EVC2 (EvC ciliary complex subunit 2; minus strand). Cytogenetic location: 4p16.2.
Variant type: single nucleotide variant.
Coding change: c.3660-18C>A on transcript NM_147127.5 (MANE Select); 18 bases into the intron before coding-DNA position 3660, C replaced by A.
Molecular consequence: intron variant.
Genome position (GRCh38, 1-based): chr4:5,563,133, G>T on the plus strand (C>A on the coding strand, the complement: EVC2 is on the minus strand). VCF-style: chr4-5563133-G-T. GRCh37 (hg19) VCF-style: chr4-5564860-G-T.
Other names: c.3420-18C>A (NM_001166136.2).
Identifiers: ClinVar variation 516538 (VCV000516538.23), dbSNP rs6853237, ClinGen allele CA2834218.

ClinVar aggregate classification (germline): Benign. Review status: criteria provided, multiple submitters, no conflicts (2 of 4 stars). 5 submissions from 5 submitters: Benign (5). Last evaluated 2026-05-11.

Conditions:
Ellis-van Creveld syndrome (EVC). Also called: Chondroectodermal dysplasia; MESOECTODERMAL DYSPLASIA. Identifiers: Orphanet 289, MedGen C0013903, MONDO:0009162, OMIM 225500.
Curry-Hall syndrome (WAD). Also called: WEYERS ACRODENTAL DYSOSTOSIS. Identifiers: Orphanet 952, MedGen C0457013, MONDO:0008673, OMIM 193530.

Allele frequency attached by ClinVar (database versions not stated): gnomAD exomes 0.00447; ExAC 0.00546; gnomAD 0.01746 and 0.01859; 1000 Genomes Project 0.02256; TOPMed 0.01764; ESP Exome Variant Server 0.02014; 1000 Genomes Project 30x 0.02327.
gnomAD v4.1: 5,241 of 1,608,618 alleles (0.33%); highest among the groups gnomAD compares: African/African-American, 5.9%; 114 homozygotes.

Submissions (5):

Women's Health and Genetics/Laboratory Corporation of America, LabCorp
Classification: Benign. Last evaluated: 2026-05-11. Review status: criteria provided, single submitter. Criteria: LabCorp Variant Classification Summary - May 2015. Collection method: clinical testing. Allele origin: germline.

Labcorp Genetics (formerly Invitae), Labcorp
Classification: Benign for Curry-Hall syndrome; Ellis-van Creveld syndrome. Last evaluated: 2026-02-02. Review status: criteria provided, single submitter. Criteria: Invitae Variant Classification Sherloc (09022015). Collection method: clinical testing. Allele origin: germline.

ARUP Laboratories, Molecular Genetics and Genomics, ARUP Laboratories
Classification: Benign. Last evaluated: 2023-09-20. Review status: criteria provided, single submitter. Criteria: ARUP Molecular Germline Variant Investigation Process 2024. Collection method: clinical testing. Allele origin: germline.

GeneDx
Classification: Benign. Last evaluated: 2017-01-09. Review status: criteria provided, single submitter. Criteria: GeneDx Variant Classification (06012015). Collection method: clinical testing. Allele origin: germline. Affected: yes.
Comment: This variant is considered likely benign or benign based on one or more of the following criteria: it is a conservative change, it occurs at a poorly conserved position in the protein, it is predicted to be benign by multiple in silico algorithms, and/or has population frequency not consistent with disease.

Breakthrough Genomics
Classification: Benign. Review status: criteria provided, single submitter. Criteria: ACMG Guidelines, 2015. Collection method: not provided. Allele origin: germline. Inheritance: Autosomal recessive inheritance. Affected: yes.